The following is an entry in ClinVar:

NM_000142.5(FGFR3):c.945C>G (p.Asn315Lys)

Gene: FGFR3 (fibroblast growth factor receptor 3; plus strand). Cytogenetic location: 4p16.3.
Variant type: single nucleotide variant.
Coding change: c.945C>G on transcript NM_000142.5 (MANE Select); coding-DNA position 945, C replaced by G.
Protein change: p.Asn315Lys; replaces asparagine 315 with lysine.
Molecular consequence: missense variant. On other transcripts: non-coding transcript variant (1), intron variant (2).
Genome position (GRCh38, 1-based): chr4:1,803,706, C>G. VCF-style: chr4-1803706-C-G. GRCh37 (hg19) VCF-style: chr4-1805433-C-G.
Other names: c.945C>G, p.Asn315Lys (NM_001354809.2, NM_001354810.2); c.1082-624C>G (NM_001163213.2); c.931-1118C>G (NM_022965.4); c.945C>G (NM_000142.4); short protein forms N315K.
Identifiers: ClinVar variation 1680046 (VCV001680046.9), dbSNP rs770974896, ClinGen allele CA355978091.

ClinVar aggregate classification (germline): Uncertain significance. Review status: criteria provided, multiple submitters, no conflicts (2 of 4 stars). 2 submissions from 2 submitters: Uncertain significance (2). Last evaluated 2025-04-07.

Conditions:
Inborn genetic diseases. Identifiers: MedGen C0950123, MeSH D030342.

Submissions (2):

Ambry Genetics
Classification: Uncertain significance for Inborn genetic diseases. Last evaluated: 2025-04-07. Review status: criteria provided, single submitter. Criteria: Ambry Variant Classification Scheme 2023. Collection method: clinical testing. Allele origin: germline.

Labcorp Genetics (formerly Invitae), Labcorp
Classification: Uncertain significance. Last evaluated: 2024-09-21. Review status: criteria provided, single submitter. Criteria: Invitae Variant Classification Sherloc (09022015). Collection method: clinical testing. Allele origin: germline.
Comment: This sequence change replaces asparagine, which is neutral and polar, with lysine, which is basic and polar, at codon 315 of the FGFR3 protein (p.Asn315Lys). This variant is not present in population databases (gnomAD no frequency). This variant has not been reported in the literature in individuals affected with FGFR3-related conditions. ClinVar contains an entry for this variant (Variation ID: 1680046). Invitae Evidence Modeling of protein sequence and biophysical properties (such as structural, functional, and spatial information, amino acid conservation, physicochemical variation, residue mobility, and thermodynamic stability) indicates that this missense variant is not expected to disrupt FGFR3 protein function with a negative predictive value of 80%. In summary, the available evidence is currently insufficient to determine the role of this variant in disease. Therefore, it has been classified as a Variant of Uncertain Significance.